The following is an entry in ClinVar:

NM_001429.4(EP300):c.6777C>T (p.Ala2259=)

Gene: EP300 (EP300 lysine acetyltransferase; plus strand). Cytogenetic location: 22q13.2.
Variant type: single nucleotide variant.
Coding change: c.6777C>T on transcript NM_001429.4 (MANE Select); coding-DNA position 6777, C replaced by T.
Protein change: p.Ala2259=; no amino-acid change (alanine 2259 retained).
Molecular consequence: synonymous variant.
Genome position (GRCh38, 1-based): chr22:41,178,488, C>T. VCF-style: chr22-41178488-C-T. GRCh37 (hg19) VCF-style: chr22-41574492-C-T.
Other names: c.6699C>T, p.Ala2233= (NM_001362843.2); c.6777C>T (NM_001429.3).
Identifiers: ClinVar variation 2902535 (VCV002902535.4), dbSNP rs1234058174, ClinGen allele CA514794950.

ClinVar aggregate classification (germline): Benign/Likely benign. Review status: criteria provided, multiple submitters, no conflicts (2 of 4 stars). 2 submissions from 2 submitters: Benign (1); Likely benign (1). Last evaluated 2025-09-16.

Conditions:
Rubinstein-Taybi syndrome due to EP300 haploinsufficiency. Also called: EP300-Related Rubinstein-Taybi Syndrome; RUBINSTEIN-TAYBI SYNDROME 2. Identifiers: Orphanet 353284, Orphanet 783, MedGen C3150941, MONDO:0013364, OMIM 613684.
EP300-related disorder. Also called: EP300-related disorders; EP300-related condition.

Allele frequency attached by ClinVar (database versions not stated): gnomAD 0.00001.
gnomAD v4.1: 2 of 1,613,970 alleles (0.00012%); highest among the groups gnomAD compares: Admixed American, 0.0017%; no homozygotes.

Submissions (2):

PreventionGenetics, part of Exact Sciences
Classification: Likely benign for EP300-related condition. Last evaluated: 2025-09-16. Review status: criteria provided, single submitter. Criteria: ACMG Guidelines, 2015. Collection method: clinical testing. Allele origin: germline.
Comment: This variant is classified as likely benign based on ACMG/AMP sequence variant interpretation guidelines (Richards et al. 2015 PMID: 25741868, with internal and published modifications).

Labcorp Genetics (formerly Invitae), Labcorp
Classification: Benign for Rubinstein-Taybi syndrome due to EP300 haploinsufficiency. Last evaluated: 2023-03-28. Review status: criteria provided, single submitter. Criteria: Invitae Variant Classification Sherloc (09022015). Collection method: clinical testing. Allele origin: germline.